The following is an entry in ClinVar:

NM_012193.4(FZD4):c.1562_1563insCTCT (p.Lys521fs)

Genes: FZD4 (frizzled class receptor 4; minus strand), PRSS23 (serine protease 23; plus strand). Cytogenetic location: 11q14.2.
Variant type: Insertion.
Coding change: c.1562_1563insCTCT on transcript NM_012193.4 (MANE Select); coding-DNA positions 1562 to 1563, CTCT inserted.
Protein change: p.Lys521fs; shifts the reading frame from lysine 521.
Molecular consequence: frameshift variant.
Genome position: GRCh38 VCF-style: chr11-86951193-C-CAGAG. GRCh37 (hg19) VCF-style: chr11-86662235-C-CAGAG.
Other names: short protein forms K521fs.
Identifiers: ClinVar variation 2763333 (VCV002763333.4), dbSNP rs2495864717, ClinGen allele CA2697548856.
Genomic context (GRCh38, chr11:86,951,193, plus strand): 5'-TGACTAGCCTTATACCACAGTCTCACTGCCTTTTCCAGGCTTCACCCAACCATTTCCTCT[C>CAGAG]TTCTCTCTCTTTACCTTTCCAGAATTCACCAATCTGTTGGAACACTTCTGCCACGTGTGA-3'

ClinVar aggregate classification (germline): Uncertain significance. Review status: criteria provided, multiple submitters, no conflicts (2 of 4 stars). 2 submissions from 2 submitters: Uncertain significance (2). Last evaluated 2025-11-10.

Submissions (2):

Labcorp Genetics (formerly Invitae), Labcorp
Classification: Uncertain significance. Last evaluated: 2025-11-10. Review status: criteria provided, single submitter. Criteria: Invitae Variant Classification Sherloc (09022015). Collection method: clinical testing. Allele origin: germline.
Comment: This sequence change creates a premature translational stop signal (p.Lys521Asnfs*15) in the FZD4 gene. While this is not anticipated to result in nonsense mediated decay, it is expected to disrupt the last 17 amino acid(s) of the FZD4 protein. This variant is not present in population databases (gnomAD no frequency). This variant has not been reported in the literature in individuals affected with FZD4-related conditions. ClinVar contains an entry for this variant (Variation ID: 2763333). Experimental studies and prediction algorithms are not available or were not evaluated, and the functional significance of this variant is currently unknown. In summary, the available evidence is currently insufficient to determine the role of this variant in disease. Therefore, it has been classified as a Variant of Uncertain Significance.

Blueprint Genetics
Classification: Uncertain significance. Last evaluated: 2022-03-23. Review status: criteria provided, single submitter. Criteria: ACMG Guidelines, 2015. Collection method: clinical testing. Allele origin: germline.